The following is an entry in ClinVar:

ClinVar aggregate classification (germline): Uncertain significance (1 of 4 stars; one submission).

Allele frequency attached by ClinVar (database versions not stated): gnomAD exomes 0.00002.
gnomAD v4.1: 28 of 1,612,258 alleles (0.0017%); highest among the groups gnomAD compares: Non-Finnish European, 0.0023%; no homozygotes.

Submission:

Labcorp Genetics (formerly Invitae), Labcorp
Classification: Uncertain significance. Last evaluated: 2021-12-23. Review status: criteria provided, single submitter. Criteria: Invitae Variant Classification Sherloc (09022015). Collection method: clinical testing. Allele origin: germline.
Comment: This sequence change replaces threonine, which is neutral and polar, with serine, which is neutral and polar, at codon 287 of the GTPBP3 protein (p.Thr287Ser). This variant is not present in population databases (gnomAD no frequency). This variant has not been reported in the literature in individuals affected with GTPBP3-related conditions. Algorithms developed to predict the effect of missense changes on protein structure and function (SIFT, PolyPhen-2, Align-GVGD) all suggest that this variant is likely to be tolerated. In summary, the available evidence is currently insufficient to determine the role of this variant in disease. Therefore, it has been classified as a Variant of Uncertain Significance.

NM_032620.4(GTPBP3):c.763A>T (p.Thr255Ser)

Gene: GTPBP3 (GTP binding protein 3, mitochondrial; plus strand). Cytogenetic location: 19p13.11.
Variant type: single nucleotide variant.
Coding change: c.763A>T on transcript NM_032620.4 (MANE Select); coding-DNA position 763, A replaced by T.
Protein change: p.Thr255Ser; replaces threonine 255 with serine.
Molecular consequence: missense variant.
Genome position (GRCh38, 1-based): chr19:17,339,221, A>T. VCF-style: chr19-17339221-A-T. GRCh37 (hg19) VCF-style: chr19-17450030-A-T.
Other names: c.763A>T, p.Thr255Ser (NM_001128855.3); c.829A>T, p.Thr277Ser (NM_001195422.1); c.859A>T, p.Thr287Ser (NM_133644.4); short protein forms T287S, T255S, T277S.
Identifiers: ClinVar variation 2070702 (VCV002070702.1), dbSNP rs2513206074, ClinGen allele CA404737007.